The following is an entry in ClinVar:

NM_057175.5(NAA15):c.1237G>A (p.Val413Met)

Gene: NAA15 (N-alpha-acetyltransferase 15, NatA auxiliary subunit; plus strand). Cytogenetic location: 4q31.1.
Variant type: single nucleotide variant.
Coding change: c.1237G>A on transcript NM_057175.5 (MANE Select); coding-DNA position 1237, G replaced by A.
Protein change: p.Val413Met; replaces valine 413 with methionine.
Molecular consequence: missense variant.
Genome position (GRCh38, 1-based): chr4:139,357,535, G>A. VCF-style: chr4-139357535-G-A. GRCh37 (hg19) VCF-style: chr4-140278689-G-A.
Other names: c.1237G>A, p.Val413Met (NM_001410842.1, NM_025085.2); c.1237G>A (NM_057175.3); short protein forms V413M.
Identifiers: ClinVar variation 2386861 (VCV002386861.7), dbSNP rs575715969, ClinGen allele CA3083590.

ClinVar aggregate classification (germline): Conflicting classifications of pathogenicity. Review status: criteria provided, conflicting classifications (1 of 4 stars). 2 submissions from 2 submitters: Uncertain significance (1); Likely benign (1). Last evaluated 2024-02-15.

Conditions:
Inborn genetic diseases. Identifiers: MedGen C0950123, MeSH D030342.

gnomAD v4.1: 71 of 1,605,642 alleles (0.0044%); highest among the groups gnomAD compares: Admixed American, 0.057%; no homozygotes.

Submissions (2):

Labcorp Genetics (formerly Invitae), Labcorp
Classification: Uncertain significance. Last evaluated: 2024-02-15. Review status: criteria provided, single submitter. Criteria: Invitae Variant Classification Sherloc (09022015). Collection method: clinical testing. Allele origin: germline.
Comment: This sequence change replaces valine, which is neutral and non-polar, with methionine, which is neutral and non-polar, at codon 413 of the NAA15 protein (p.Val413Met). This variant is present in population databases (rs575715969, gnomAD 0.06%), and has an allele count higher than expected for a pathogenic variant. This variant has not been reported in the literature in individuals affected with NAA15-related conditions. ClinVar contains an entry for this variant (Variation ID: 2386861). An algorithm developed to predict the effect of missense changes on protein structure and function (PolyPhen-2) suggests that this variant¬†is likely to be tolerated. In summary, the available evidence is currently insufficient to determine the role of this variant in disease. Therefore, it has been classified as a Variant of Uncertain Significance.

Ambry Genetics
Classification: Likely benign for Inborn genetic diseases. Last evaluated: 2022-08-01. Review status: criteria provided, single submitter. Criteria: Ambry Variant Classification Scheme 2023. Collection method: clinical testing. Allele origin: germline.